The following is an entry in ClinVar:

NM_153676.4(USH1C):c.1017del (p.Gln340fs)

Gene: USH1C (USH1 protein network component harmonin; minus strand). Cytogenetic location: 11p15.1.
Variant type: Deletion.
Coding change: c.1017del on transcript NM_153676.4 (MANE Select); coding-DNA position 1017, one base deleted (G; older notation c.1017delG).
Protein change: p.Gln340fs; shifts the reading frame from glutamine 340.
Molecular consequence: frameshift variant. On other transcripts: non-coding transcript variant (1).
Genome position (GRCh38, 1-based): chr11:17,522,786, C deleted on the plus strand (G on the coding strand, the reverse complement: USH1C is on the minus strand); the first of 2 consecutive C bases (chr11:17,522,786-17,522,787); deleting either gives the same sequence. VCF-style (leftmost placement, unchanged base first): chr11-17522785-GC-G. GRCh37 (hg19) VCF-style: chr11-17544332-GC-G.
Other names: c.960del, p.Gln321fs (NM_001297764.2); c.1050del, p.Gln351fs (NM_001440679.1, NM_001440684.1); c.1017del, p.Gln340fs (NM_001440680.1, NM_001440681.1, NM_001440682.1 and 4 more transcripts); c.993del, p.Gln332fs (NM_001440686.1); short protein forms Q321fs, Q332fs, Q340fs, Q351fs.
Identifiers: ClinVar variation 5013322 (VCV005013322.1).

ClinVar aggregate classification (germline): Pathogenic (1 of 4 stars; one submission).

Conditions:
Usher syndrome type 1C. Also called: USHER SYNDROME, TYPE I, ACADIAN VARIETY. Identifiers: Orphanet 231169, Orphanet 886, MedGen C1848604, MONDO:0010171, OMIM 276904.

Submission:

Myriad Genetics, Inc.
Classification: Pathogenic for Usher syndrome type 1C. Last evaluated: 2024-07-17. Review status: criteria provided, single submitter. Criteria: Myriad Autosomal Dominant, Autosomal Recessive and X-Linked Classification Criteria (2023). Collection method: clinical testing. Allele origin: unknown.
Comment: NM_005709.3(USH1C):c.1017delG(Q340Kfs*25) is expected to be pathogenic in the context of USH1C-related disorders. This variant is predicted to lead to an abnormal or absent protein product due to the creation of a premature termination codon in USH1C, a gene where loss-of-function variants are known to be pathogenic. Please note: this variant was assessed in the context of healthy population screening.